The following is an entry in ClinVar:

ClinVar aggregate classification (germline): Uncertain significance (1 of 4 stars; one submission).

Conditions:
Jeune thoracic dystrophy. Also called: Jeune syndrome; Infantile thoracic dystrophy; Thoracic pelvic phalangeal dystrophy; Jeune's syndrome; Chondroectodermal dysplasia-like syndrome; Short-rib thoracic dysplasia. Identifiers: Orphanet 474, MedGen C0265275, MONDO:0018770.

Submission:

Labcorp Genetics (formerly Invitae), Labcorp
Classification: Uncertain significance for Jeune thoracic dystrophy. Last evaluated: 2022-04-28. Review status: criteria provided, single submitter. Criteria: Invitae Variant Classification Sherloc (09022015). Collection method: clinical testing. Allele origin: germline.
Comment: This variant is not present in population databases (gnomAD no frequency). In summary, the available evidence is currently insufficient to determine the role of this variant in disease. Therefore, it has been classified as a Variant of Uncertain Significance. Algorithms developed to predict the effect of missense changes on protein structure and function (SIFT, PolyPhen-2, Align-GVGD) all suggest that this variant is likely to be disruptive. This variant has not been reported in the literature in individuals affected with IFT80-related conditions. This sequence change replaces aspartic acid, which is acidic and polar, with tyrosine, which is neutral and polar, at codon 201 of the IFT80 protein (p.Asp201Tyr).

NM_020800.3(IFT80):c.601G>T (p.Asp201Tyr)

Genes: TRIM59-IFT80 (TRIM59-IFT80 readthrough (NMD candidate); minus strand), IFT80 (intraflagellar transport 80; minus strand). Cytogenetic location: 3q25.33.
Variant type: single nucleotide variant.
Coding change: c.601G>T on transcript NM_020800.3 (MANE Select); coding-DNA position 601, G replaced by T.
Protein change: p.Asp201Tyr; replaces aspartic acid 201 with tyrosine.
Molecular consequence: missense variant. On other transcripts: non-coding transcript variant (3).
Genome position (GRCh38, 1-based): chr3:160,357,527, C>A on the plus strand (G>T on the coding strand, the complement: IFT80 is on the minus strand). VCF-style: chr3-160357527-C-A. GRCh37 (hg19) VCF-style: chr3-160075315-C-A.
Other names: c.190G>T, p.Asp64Tyr (NM_001190241.2, NM_001190242.2); short protein forms D201Y, D64Y.
Identifiers: ClinVar variation 1940643 (VCV001940643.5), dbSNP rs771793937, ClinGen allele CA355193056.